The following is an entry in ClinVar:

ClinVar aggregate classification (germline): Uncertain significance (1 of 4 stars; one submission).

Allele frequency attached by ClinVar (database versions not stated): ExAC 0.00002.
gnomAD v4.1: 35 of 1,605,604 alleles (0.0022%); highest among the groups gnomAD compares: South Asian, 0.016%; no homozygotes.

Submission:

Labcorp Genetics (formerly Invitae), Labcorp
Classification: Uncertain significance. Last evaluated: 2022-06-16. Review status: criteria provided, single submitter. Criteria: Invitae Variant Classification Sherloc (09022015). Collection method: clinical testing. Allele origin: germline.
Comment: This sequence change replaces arginine, which is basic and polar, with tryptophan, which is neutral and slightly polar, at codon 480 of the LTBP4 protein (p.Arg480Trp). This variant is present in population databases (rs774320855, gnomAD 0.02%). This variant has not been reported in the literature in individuals affected with LTBP4-related conditions. Experimental studies and prediction algorithms are not available or were not evaluated, and the functional significance of this variant is currently unknown. In summary, the available evidence is currently insufficient to determine the role of this variant in disease. Therefore, it has been classified as a Variant of Uncertain Significance.

NM_001042545.2(LTBP4):c.1348C>T (p.Arg450Trp)

Gene: LTBP4 (latent transforming growth factor beta binding protein 4; plus strand). Cytogenetic location: 19q13.2.
Variant type: single nucleotide variant.
Coding change: c.1348C>T on transcript NM_001042545.2 (MANE Select); coding-DNA position 1348, C replaced by T.
Protein change: p.Arg450Trp; replaces arginine 450 with tryptophan.
Molecular consequence: missense variant.
Genome position (GRCh38, 1-based): chr19:40,608,525, C>T. VCF-style: chr19-40608525-C-T. GRCh37 (hg19) VCF-style: chr19-41114431-C-T.
Other names: c.1549C>T, p.Arg517Trp (NM_001042544.1); c.1438C>T, p.Arg480Trp (NM_003573.2); short protein forms R450W, R480W, R517W.
Identifiers: ClinVar variation 2187135 (VCV002187135.1), dbSNP rs774320855, ClinGen allele CA9448284.
Genomic context (GRCh38, chr19:40,608,525, plus strand): 5'-GATACCCCTTCTTTATCAGGCTTTCTGCCCACCCATCGCCTGGAGCCCCGGCCTGAACCC[C>T]GGCCCGATCCCCGGCCCGGCCCTGAGCTTCCCTTGCCCAGCATCCCTGCCTGGACTGGTC-3'
Protein context (NP_001036010.1, residues 440-460): THRLEPRPEP[Arg450Trp]PDPRPGPELP